The following is an entry in ClinVar:

NM_000245.4(MET):c.755C>T (p.Ala252Val)

Gene: MET (MET proto-oncogene, receptor tyrosine kinase; plus strand). Cytogenetic location: 7q31.2.
Variant type: single nucleotide variant.
Coding change: c.755C>T on transcript NM_000245.4 (MANE Select); coding-DNA position 755, C replaced by T.
Protein change: p.Ala252Val; replaces alanine 252 with valine.
Molecular consequence: missense variant. On other transcripts: intron variant (1).
Genome position (GRCh38, 1-based): chr7:116,699,839, C>T. VCF-style: chr7-116699839-C-T. GRCh37 (hg19) VCF-style: chr7-116339893-C-T.
Other names: c.755C>T, p.Ala252Val (NM_001127500.3, NM_001324401.3); c.-91+27262C>T (NM_001324402.2); short protein forms A252V.
Identifiers: ClinVar variation 1002485 (VCV001002485.8), dbSNP rs1791500546, ClinGen allele CA368969780.

ClinVar aggregate classification (germline): Uncertain significance (1 of 4 stars; one submission).

Conditions:
Renal cell carcinoma. Identifiers: Orphanet 217071, MedGen C0007134, MeSH D002292, MONDO:0005086, HP:0005584.

Allele frequency attached by ClinVar (database versions not stated): gnomAD exomes below 0.00001.
gnomAD v4.1: 1 of 1,614,058 alleles (0.000062%); highest among the groups gnomAD compares: South Asian, 0.0011%; no homozygotes.

Submission:

Labcorp Genetics (formerly Invitae), Labcorp
Classification: Uncertain significance for Renal cell carcinoma. Last evaluated: 2025-11-11. Review status: criteria provided, single submitter. Criteria: Invitae Variant Classification Sherloc (09022015). Collection method: clinical testing. Allele origin: germline.
Comment: This sequence change replaces alanine, which is neutral and non-polar, with valine, which is neutral and non-polar, at codon 252 of the MET protein (p.Ala252Val). This variant is not present in population databases (gnomAD no frequency). This variant has not been reported in the literature in individuals affected with MET-related conditions. ClinVar contains an entry for this variant (Variation ID: 1002485). Invitae Evidence Modeling of protein sequence and biophysical properties (such as structural, functional, and spatial information, amino acid conservation, physicochemical variation, residue mobility, and thermodynamic stability) indicates that this missense variant is expected to disrupt MET protein function with a positive predictive value of 80%. In summary, the available evidence is currently insufficient to determine the role of this variant in disease. Therefore, it has been classified as a Variant of Uncertain Significance.